The following is an entry in ClinVar:

NM_002460.4(IRF4):c.493-7C>T

Gene: IRF4 (interferon regulatory factor 4; plus strand). Cytogenetic location: 6p25.3.
Variant type: single nucleotide variant.
Coding change: c.493-7C>T on transcript NM_002460.4 (MANE Select); 7 bases into the intron before coding-DNA position 493, C replaced by T.
Molecular consequence: intron variant.
Genome position (GRCh38, 1-based): chr6:397,101, C>T. VCF-style: chr6-397101-C-T. GRCh37 (hg19) VCF-style: chr6-397101-C-T.
Other names: c.493-7C>T (NM_002460.3); c.493-10C>T (NM_001195286.2).
Identifiers: ClinVar variation 1166330 (VCV001166330.11), dbSNP rs548665267, ClinGen allele CA3612725.
Genomic context (GRCh38, chr6:397,101, plus strand): 5'-CCTGCACTCCTTTACCCCCGTCTCAATGCCAGTGCTTCTTATCTCAGCCTCTCCTGCACT[C>T]CTTTAGCAGGTTCACAACTACATGATGCCACCCCTCGACCGAAGCTGGAGGGACTACGTC-3'

ClinVar aggregate classification (germline): Benign. Review status: criteria provided, single submitter (1 of 4 stars). 2 submissions from 2 submitters: Benign (1). 1 of the submissions does not count toward it. Last evaluated 2025-12-28.

Conditions:
IRF4-related disorder. Also called: IRF4-related condition.

Allele frequency attached by ClinVar (database versions not stated): gnomAD 0.00001 and 0.00015; TOPMed 0.00002; gnomAD exomes 0.00020 and 0.00050; ExAC 0.00054; 1000 Genomes Project 0.00100; 1000 Genomes Project 30x 0.00125.

Submissions (2):

Labcorp Genetics (formerly Invitae), Labcorp
Classification: Benign. Last evaluated: 2025-12-28. Review status: criteria provided, single submitter. Criteria: Invitae Variant Classification Sherloc (09022015). Collection method: clinical testing. Allele origin: germline.

PreventionGenetics, part of Exact Sciences
Classification: Likely benign for IRF4-related condition. Last evaluated: 2020-03-20. Review status: no assertion criteria provided. Collection method: clinical testing. Allele origin: germline. Not counted in ClinVar's aggregate classification.
Comment: This variant is classified as likely benign based on ACMG/AMP sequence variant interpretation guidelines (Richards et al. 2015 PMID: 25741868, with internal and published modifications).